The following is an entry in ClinVar:

ClinVar aggregate classification (germline): Likely benign (1 of 4 stars; one submission).

Conditions:
AXIN1-related disorder. Also called: AXIN1-related condition.

gnomAD v4.1: 1,301 of 1,612,564 alleles (0.081%); highest among the groups gnomAD compares: Middle Eastern, 0.23%; 2 homozygotes.

Submission:

PreventionGenetics, part of Exact Sciences
Classification: Likely benign for AXIN1-related condition. Last evaluated: 2025-03-18. Review status: criteria provided, single submitter. Criteria: ACMG Guidelines, 2015. Collection method: clinical testing. Allele origin: germline.
Comment: This variant is classified as likely benign based on ACMG/AMP sequence variant interpretation guidelines (Richards et al. 2015 PMID: 25741868, with internal and published modifications).

NM_003502.4(AXIN1):c.1205C>T (p.Thr402Met)

Gene: AXIN1 (axin 1; minus strand). Cytogenetic location: 16p13.3.
Variant type: single nucleotide variant.
Coding change: c.1205C>T on transcript NM_003502.4 (MANE Select); coding-DNA position 1205, C replaced by T.
Protein change: p.Thr402Met; replaces threonine 402 with methionine.
Molecular consequence: missense variant. On other transcripts: non-coding transcript variant (1).
Genome position (GRCh38, 1-based): chr16:304,353, G>A on the plus strand (C>T on the coding strand, the complement: AXIN1 is on the minus strand). VCF-style: chr16-304353-G-A. GRCh37 (hg19) VCF-style: chr16-354353-G-A.
Other names: c.1205C>T, p.Thr402Met (NM_181050.3); short protein forms T402M.
Identifiers: ClinVar variation 4982626 (VCV004982626.1).